The following is an entry in ClinVar:

NM_000094.4(COL7A1):c.6377G>T (p.Gly2126Val)

Gene: COL7A1 (collagen type VII alpha 1 chain; minus strand). Cytogenetic location: 3p21.31.
Variant type: single nucleotide variant.
Coding change: c.6377G>T on transcript NM_000094.4 (MANE Select); coding-DNA position 6377, G replaced by T.
Protein change: p.Gly2126Val; replaces glycine 2126 with valine.
Molecular consequence: missense variant.
Genome position (GRCh38, 1-based): chr3:48,574,693, C>A on the plus strand (G>T on the coding strand, the complement: COL7A1 is on the minus strand). VCF-style: chr3-48574693-C-A. GRCh37 (hg19) VCF-style: chr3-48612126-C-A.
Other names: short protein forms G2126V.
Identifiers: ClinVar variation 5002624 (VCV005002624.1).

ClinVar aggregate classification (germline): Likely pathogenic (1 of 4 stars; one submission).

Conditions:
COL7A1-related disorder. Also called: COL7A1-related condition; COL7A1- related disorders.

gnomAD v4.1: 11 of 1,613,940 alleles (0.00068%); highest among the groups gnomAD compares: South Asian, 0.0011%; no homozygotes.

Submission:

PreventionGenetics, part of Exact Sciences
Classification: Likely pathogenic for COL7A1-related condition. Last evaluated: 2026-04-30. Review status: criteria provided, single submitter. Criteria: ACMG Guidelines, 2015. Collection method: clinical testing. Allele origin: germline.
Comment: The COL7A1 c.6377G>T variant is predicted to result in the amino acid substitution p.Gly2126Val. To our knowledge, this variant has not been reported in the literature. The amino acid p.Gly2126 resides within the triple helical domain of the COL7A1 protein (amino acids 1254-2784; Christiano et al. 1996. PubMed ID: 8644729). Glycine substitutions within this domain affect the folding and secretion of type VII collagen, and pathogenic variants altering glycine residues have been reported in individuals with COL7A1-related disorders (Dang and Murrell. 2008. PubMed ID: 18558993; Almaani et al. 2011. PubMed ID: 21448560; Vahidnezhad et al. 2017. PubMed ID: 27899325). This variant is reported in 0.00088% of alleles in individuals of European (Non-Finnish) descent in gnomAD. This variant is interpreted as likely pathogenic.